The following is an entry in ClinVar:

NM_020191.4(MRPS22):c.213G>T (p.Met71Ile)

Gene: MRPS22 (mitochondrial ribosomal protein S22; plus strand). Cytogenetic location: 3q23.
Variant type: single nucleotide variant.
Coding change: c.213G>T on transcript NM_020191.4 (MANE Select); coding-DNA position 213, G replaced by T.
Protein change: p.Met71Ile; replaces methionine 71 with isoleucine.
Molecular consequence: missense variant.
Genome position (GRCh38, 1-based): chr3:139,346,918, G>T. VCF-style: chr3-139346918-G-T. GRCh37 (hg19) VCF-style: chr3-139065760-G-T.
Other names: c.90G>T, p.Met30Ile (NM_001363857.1); c.210G>T, p.Met70Ile (NM_001363893.1); short protein forms M70I, M30I, M71I.
Identifiers: ClinVar variation 2502809 (VCV002502809.1), dbSNP rs781621580, ClinGen allele CA2640663.

ClinVar aggregate classification (germline): Uncertain significance (1 of 4 stars; one submission).

Allele frequency attached by ClinVar (database versions not stated): gnomAD 0.00001; gnomAD exomes 0.00001; ExAC 0.00002; TOPMed 0.00002.
gnomAD v4.1: 9 of 1,614,016 alleles (0.00056%); highest among the groups gnomAD compares: Middle Eastern, 0.066%; no homozygotes.

Submission:

GeneDx
Classification: Uncertain significance. Last evaluated: 2023-05-16. Review status: criteria provided, single submitter. Criteria: GeneDx Variant Classification Process June 2021. Collection method: clinical testing. Allele origin: germline. Affected: yes.
Comment: Has not been previously published as pathogenic or benign to our knowledge; Not observed at significant frequency in large population cohorts (gnomAD); In silico analysis supports that this missense variant has a deleterious effect on protein structure/function